The following is an entry in ClinVar:

ClinVar aggregate classification (germline): Uncertain significance (1 of 4 stars; one submission).

Conditions:
Multiple endocrine neoplasia, type 2 (MEN2). Identifiers: Orphanet 653, MedGen C4048306, MONDO:0019003. Disease mechanism: gain of function.

Submission:

Labcorp Genetics (formerly Invitae), Labcorp
Classification: Uncertain significance for Multiple endocrine neoplasia, type 2. Last evaluated: 2023-08-28. Review status: criteria provided, single submitter. Criteria: Invitae Variant Classification Sherloc (09022015). Collection method: clinical testing. Allele origin: germline.
Comment: This variant has not been reported in the literature in individuals affected with RET-related conditions. This variant is not present in population databases (gnomAD no frequency). This sequence change replaces glutamic acid, which is acidic and polar, with glutamine, which is neutral and polar, at codon 169 of the RET protein (p.Glu169Gln). In summary, the available evidence is currently insufficient to determine the role of this variant in disease. Therefore, it has been classified as a Variant of Uncertain Significance. An algorithm developed to predict the effect of missense changes on protein structure and function (PolyPhen-2) suggests that this variant is likely to be tolerated.

NM_020975.6(RET):c.505G>C (p.Glu169Gln)

Gene: RET (ret proto-oncogene; plus strand). Cytogenetic location: 10q11.21.
Variant type: single nucleotide variant.
Coding change: c.505G>C on transcript NM_020975.6 (MANE Select); coding-DNA position 505, G replaced by C.
Protein change: p.Glu169Gln; replaces glutamic acid 169 with glutamine.
Molecular consequence: missense variant. On other transcripts: intron variant (15).
Genome position (GRCh38, 1-based): chr10:43,102,509, G>C. VCF-style: chr10-43102509-G-C. GRCh37 (hg19) VCF-style: chr10-43597957-G-C.
Other names: c.505G>C, p.Glu169Gln (NM_001406759.1, NM_001406760.1, NM_001406763.1 and 16 more transcripts); c.376G>C, p.Glu126Gln (NM_001406761.1, NM_001406762.1, NM_001406764.1 and 4 more transcripts); c.337+1787G>C (NM_001406770.1, NM_001406766.1, NM_001406767.1 and 8 more transcripts); c.74-6522G>C (NM_001406784.1); c.74-9590G>C (NM_001406794.1, NM_001406792.1, NM_001406793.1); short protein forms E169Q, E126Q.
Identifiers: ClinVar variation 2817036 (VCV002817036.3), dbSNP rs374514956, ClinGen allele CA376543291.